The following is an entry in ClinVar:

ClinVar aggregate classification (germline): Uncertain significance (1 of 4 stars; one submission).

Submission:

Labcorp Genetics (formerly Invitae), Labcorp
Classification: Uncertain significance. Last evaluated: 2024-10-24. Review status: criteria provided, single submitter. Criteria: Invitae Variant Classification Sherloc (09022015). Collection method: clinical testing. Allele origin: germline.
Comment: This sequence change replaces serine, which is neutral and polar, with isoleucine, which is neutral and non-polar, at codon 747 of the NEXMIF protein (p.Ser747Ile). This variant is not present in population databases (gnomAD no frequency). This variant has not been reported in the literature in individuals affected with NEXMIF-related conditions. An algorithm developed to predict the effect of missense changes on protein structure and function (PolyPhen-2) suggests that this variant is likely to be tolerated. In summary, the available evidence is currently insufficient to determine the role of this variant in disease. Therefore, it has been classified as a Variant of Uncertain Significance.

NM_001008537.3(NEXMIF):c.2240G>T (p.Ser747Ile)

Gene: NEXMIF (neurite extension and migration factor; minus strand). Cytogenetic location: Xq13.3.
Variant type: single nucleotide variant.
Coding change: c.2240G>T on transcript NM_001008537.3 (MANE Select); coding-DNA position 2240, G replaced by T.
Protein change: p.Ser747Ile; replaces serine 747 with isoleucine.
Molecular consequence: missense variant.
Genome position (GRCh38, 1-based): chrX:74,742,317, C>A on the plus strand (G>T on the coding strand, the complement: NEXMIF is on the minus strand). VCF-style: chrX-74742317-C-A. GRCh37 (hg19) VCF-style: chrX-73962152-C-A.
Other names: short protein forms S747I.
Identifiers: ClinVar variation 3619096 (VCV003619096.2).